The following is an entry in ClinVar:

NM_032043.3(BRIP1):c.1620A>G (p.Gln540=)

Gene: BRIP1 (BRCA1 interacting DNA helicase 1; minus strand). Cytogenetic location: 17q23.2.
Variant type: single nucleotide variant.
Coding change: c.1620A>G on transcript NM_032043.3 (MANE Select); coding-DNA position 1620, A replaced by G.
Protein change: p.Gln540=; no amino-acid change (glutamine 540 retained).
Molecular consequence: synonymous variant.
Genome position (GRCh38, 1-based): chr17:61,784,278, T>C on the plus strand (A>G on the coding strand, the complement: BRIP1 is on the minus strand). VCF-style: chr17-61784278-T-C. GRCh37 (hg19) VCF-style: chr17-59861639-T-C.
Identifiers: ClinVar variation 1358136 (VCV001358136.12), dbSNP rs2145135063, ClinGen allele CA501150679.

ClinVar aggregate classification (germline): Benign/Likely benign. Review status: criteria provided, multiple submitters, no conflicts (2 of 4 stars). 3 submissions from 3 submitters: Benign (1); Likely benign (2). Last evaluated 2025-02-07.

Conditions:
Hereditary cancer-predisposing syndrome. Also called: Hereditary Cancer Syndrome; Hereditary neoplastic syndrome; Tumor predisposition; Neoplastic Syndromes, Hereditary. Identifiers: Orphanet 140162, MedGen C0027672, MeSH D009386, MONDO:0015356.
Familial cancer of breast. Also called: BREAST CANCER, FAMILIAL; hereditary breast carcinoma; Hereditary breast cancer. Identifiers: Orphanet 227535, MedGen C0346153, MONDO:0016419, OMIM 114480. Disease mechanism: loss of function.
Fanconi anemia complementation group J. Also called: BRIP1-Related Fanconi Anemia. Identifiers: Orphanet 84, MedGen C1836860, MONDO:0012187, OMIM 609054.

Allele frequency attached by ClinVar (database versions not stated): gnomAD exomes below 0.00001.
gnomAD v4.1: 1 of 1,612,598 alleles (0.000062%); highest among the groups gnomAD compares: African/African-American, 0.0013%; no homozygotes.

Submissions (3):

Labcorp Genetics (formerly Invitae), Labcorp
Classification: Likely benign for Familial cancer of breast; Fanconi anemia complementation group J. Last evaluated: 2025-02-07. Review status: criteria provided, single submitter. Criteria: Invitae Variant Classification Sherloc (09022015). Collection method: clinical testing. Allele origin: germline.

Myriad Genetics, Inc.
Classification: Benign for Familial cancer of breast. Last evaluated: 2024-08-28. Review status: criteria provided, single submitter. Criteria: Myriad Autosomal Dominant, Autosomal Recessive and X-Linked Classification Criteria (2023). Collection method: clinical testing. Allele origin: unknown.
Comment: This variant is considered benign. This variant is a silent/synonymous amino acid change and it is not expected to impact splicing.

Ambry Genetics
Classification: Likely benign for Hereditary cancer-predisposing syndrome. Last evaluated: 2021-07-31. Review status: criteria provided, single submitter. Criteria: Ambry Variant Classification Scheme 2023. Collection method: clinical testing. Allele origin: germline.